The following is an entry in ClinVar:

NC_000020.10:g.(?_61448417)_(62124660_?)del

Genes: ARFGAP1 (ARF GTPase activating protein 1; plus strand), BHLHE23 (basic helix-loop-helix family member e23; minus strand), BIRC7 (baculoviral IAP repeat containing 7; plus strand), CHRNA4 (cholinergic receptor nicotinic alpha 4 subunit; minus strand), COL20A1 (collagen type XX alpha 1 chain; plus strand) and 11 more. Cytogenetic location: 20q13.33.
Variant type: Deletion.
Identifiers: ClinVar variation 1409926 (VCV001409926.7).

ClinVar aggregate classification (germline): Uncertain significance. Review status: criteria provided, single submitter (1 of 4 stars). 2 submissions from 1 submitter: Uncertain significance (1). 1 of the submissions does not count toward it. Last evaluated 2021-11-28.

Conditions:
Familial sleep-related hypermotor epilepsy. Also called: Autosomal Dominant Sleep-Related Hypermotor (Hyperkinetic) Epilepsy. Identifiers: Orphanet 98784, MedGen C3696898, MONDO:0000030.
Developmental and epileptic encephalopathy, 33 (DEE33). Also called: Epileptic encephalopathy, early infantile, 33. Identifiers: Orphanet 442835, MedGen C4225337, MONDO:0014625, OMIM 616409.

Submissions (2):

Labcorp Genetics (formerly Invitae), Labcorp
Classification: Uncertain significance for Developmental and epileptic encephalopathy, 33. Last evaluated: 2021-11-28. Review status: criteria provided, single submitter. Criteria: Invitae Variant Classification Sherloc (09022015). Collection method: clinical testing. Allele origin: germline.
Comment: This variant has not been reported in the literature in individuals affected with EEF1A2-related conditions. This variant is a gross deletion of the genomic region encompassing exon(s) 5-8 of the EEF1A2 gene, which includes the termination codon. This deletion extends beyond the assayed region for this gene and therefore may encompass additional genes. While this deletion is not anticipated to lead to nonsense mediated decay, it is expected to alter mRNA translation or result in a truncated protein product. Experimental studies and prediction algorithms are not available or were not evaluated, and the functional significance of this variant is currently unknown. In summary, the available evidence is currently insufficient to determine the role of this variant in disease. Therefore, it has been classified as a Variant of Uncertain Significance.

Labcorp Genetics (formerly Invitae), Labcorp
Classification: Uncertain significance. Last evaluated: 2021-11-28. Review status: flagged submission. Criteria: Invitae Variant Classification Sherloc (09022015). Collection method: clinical testing. Allele origin: germline. Not counted in ClinVar's aggregate classification.
Comment: A gross deletion of the genomic region encompassing the full coding sequence of the CHRNA4 gene has been identified. The current clinical and genetic evidence is not sufficient to establish whether loss-of-function variants in CHRNA4 cause disease. The boundaries of this event are unknown as they extend beyond the assayed region for this gene and therefore may encompass additional genes. This variant has not been reported in the literature in individuals affected with CHRNA4-related conditions. In summary, the available evidence is currently insufficient to determine the role of this variant in disease. Therefore, it has been classified as a Variant of Uncertain Significance.
ClinVar note: Notes: This submission was flagged because its interpretation of this variant conflicts with the ClinGen Gene Dosage Map curation for the gene KCNQ2.
ClinVar note: Reason: Conflict with ClinGen Gene Dosage Map